The following is an entry in ClinVar:

NM_000081.4(LYST):c.2317G>A (p.Val773Met)

Gene: LYST (lysosomal trafficking regulator; minus strand). Cytogenetic location: 1q42.3.
Variant type: single nucleotide variant.
Coding change: c.2317G>A on transcript NM_000081.4 (MANE Select); coding-DNA position 2317, G replaced by A.
Protein change: p.Val773Met; replaces valine 773 with methionine.
Molecular consequence: missense variant.
Genome position (GRCh38, 1-based): chr1:235,808,501, C>T on the plus strand (G>A on the coding strand, the complement: LYST is on the minus strand). VCF-style: chr1-235808501-C-T. GRCh37 (hg19) VCF-style: chr1-235971801-C-T.
Other names: c.2317G>A, p.Val773Met (NM_001301365.1); short protein forms V773M.
Identifiers: ClinVar variation 846395 (VCV000846395.11), dbSNP rs546317523, ClinGen allele CA1467326.
Genomic context (GRCh38, chr1:235,808,501, plus strand): 5'-ACACACATACAAACCTGGATTTAAGCAGGATAGGCAGAGTTTTTACATAAATCTGAAGCA[C>T]GTCCTGAGGCAAGCACTGGTTATGATGGCTACATACATGACTTTGAGCTGAAGTAACGCT-3'
Protein context (NP_000072.2, residues 763-783): SHHNQCLPQD[Val773Met]LQIYVKTLPI

ClinVar aggregate classification (germline): Uncertain significance. Review status: criteria provided, multiple submitters, no conflicts (2 of 4 stars). 2 submissions from 2 submitters: Uncertain significance (2). Last evaluated 2025-01-25.

Conditions:
Chédiak-Higashi syndrome (CHS). Also called: Chediak-Higashi Syndrome. Identifiers: Orphanet 167, MedGen C0007965, MONDO:0008963, OMIM 214500.

Allele frequency attached by ClinVar (database versions not stated): ExAC 0.00002; TOPMed 0.00007; 1000 Genomes Project 30x 0.00031; 1000 Genomes Project 0.00040.
gnomAD v4.1: 68 of 1,613,492 alleles (0.0042%); highest among the groups gnomAD compares: African/African-American, 0.015%; no homozygotes.

Submissions (2):

Labcorp Genetics (formerly Invitae), Labcorp
Classification: Uncertain significance for Chédiak-Higashi syndrome. Last evaluated: 2025-01-25. Review status: criteria provided, single submitter. Criteria: Invitae Variant Classification Sherloc (09022015). Collection method: clinical testing. Allele origin: germline.
Comment: This sequence change replaces valine, which is neutral and non-polar, with methionine, which is neutral and non-polar, at codon 773 of the LYST protein (p.Val773Met). This variant is present in population databases (rs546317523, gnomAD 0.01%). This variant has not been reported in the literature in individuals affected with LYST-related conditions. ClinVar contains an entry for this variant (Variation ID: 846395). Invitae Evidence Modeling of protein sequence and biophysical properties (such as structural, functional, and spatial information, amino acid conservation, physicochemical variation, residue mobility, and thermodynamic stability) indicates that this missense variant is expected to disrupt LYST protein function with a positive predictive value of 80%. In summary, the available evidence is currently insufficient to determine the role of this variant in disease. Therefore, it has been classified as a Variant of Uncertain Significance.

Blueprint Genetics
Classification: Uncertain significance. Last evaluated: 2022-04-08. Review status: criteria provided, single submitter. Criteria: ACMG Guidelines, 2015. Collection method: clinical testing. Allele origin: germline.